The following is an entry in ClinVar:

ClinVar aggregate classification (germline): Conflicting classifications of pathogenicity. Review status: criteria provided, conflicting classifications (1 of 4 stars). 2 submissions from 2 submitters: Likely pathogenic (1); Uncertain significance (1). Last evaluated 2025-08-11.

Conditions:
Inborn genetic diseases. Identifiers: MedGen C0950123, MeSH D030342.
Hearing loss, autosomal recessive 113. Also called: Deafness, autosomal recessive 113. Identifiers: MedGen C5193079, MONDO:0032732, OMIM 618410.

Allele frequency attached by ClinVar (database versions not stated): ExAC 0.00001; gnomAD exomes 0.00002.

Submissions (2):

Ambry Genetics
Classification: Uncertain significance for Inborn genetic diseases. Last evaluated: 2025-08-11. Review status: criteria provided, single submitter. Criteria: Ambry Variant Classification Scheme 2023. Collection method: clinical testing. Allele origin: germline.

Laboratory of Prof. Karen Avraham, Tel Aviv University
Classification: Likely pathogenic for Hearing loss, autosomal recessive 113. Last evaluated: 2024-05-01. Review status: criteria provided, single submitter. Criteria: ACMG Guidelines, 2015. Collection method: research. Allele origin: germline. Affected: yes. Observed: 1 variant allele.
Comment: Very rare variant, predicted to have a deleterious effect by most prediction programs, in compound heterozygosity with a known mutation

DFNB113; high-tone HL, normal- severe

NM_001039213.4(CEACAM16):c.1057G>A (p.Gly353Arg)

Genes: CEACAM16 (CEA cell adhesion molecule 16, tectorial membrane component; plus strand), CEACAM16-AS1 (CEACAM16, CEACAM19 and PVR antisense RNA 1; minus strand). Cytogenetic location: 19q13.32.
Variant type: single nucleotide variant.
Coding change: c.1057G>A on transcript NM_001039213.4 (MANE Select); coding-DNA position 1057, G replaced by A.
Protein change: p.Gly353Arg; replaces glycine 353 with arginine.
Molecular consequence: missense variant.
Genome position (GRCh38, 1-based): chr19:44,707,977, G>A. VCF-style: chr19-44707977-G-A. GRCh37 (hg19) VCF-style: chr19-45211249-G-A.
Other names: c.1057G>A (NM_001039213.2); short protein forms G353R.
Identifiers: ClinVar variation 3250401 (VCV003250401.2), dbSNP rs777655944.